The following is an entry in ClinVar:

ClinVar aggregate classification (germline): Conflicting classifications of pathogenicity. Review status: criteria provided, conflicting classifications (1 of 4 stars). 5 submissions from 5 submitters: Likely pathogenic (2); Uncertain significance (3). Last evaluated 2026-09-14.

Conditions:
MYO7A-related disorder. Also called: MYO7A-related disorders.
Usher syndrome type 1B (USH1B). Also called: Usher syndrome type IB. Identifiers: MedGen C1848638, MONDO:0700087.
Autosomal dominant nonsyndromic hearing loss 11. Identifiers: Orphanet 90635, MedGen C1832475, MONDO:0011032, OMIM 601317.

Allele frequency attached by ClinVar (database versions not stated): TOPMed 0.00001; gnomAD exomes 0.00002 and 0.00001; gnomAD 0.00001; ExAC 0.00004.
gnomAD v4.1: 30 of 1,602,946 alleles (0.0019%); highest among the groups gnomAD compares: Non-Finnish European, 0.0023%; no homozygotes.

Submissions (5):

PreventionGenetics, part of Exact Sciences
Classification: Likely pathogenic for MYO7A-related condition. Last evaluated: 2026-09-14. Review status: criteria provided, single submitter. Criteria: ACMG Guidelines, 2015. Collection method: clinical testing. Allele origin: germline.
Comment: The MYO7A c.1369G>A variant is predicted to result in the amino acid substitution p.Ala457Thr. This variant was reported in the homozygous and compound heterozygous states in at least three individuals with hearing loss, one of which also had retinitis pigmentosa (Uehara et al. 2022. PubMed ID: 34824372; Watanabe et al. 2024. PubMed ID: 38594301). This variant was also described in a large cohort of individuals with hearing loss (Table S2, Usami et al. 2022. PubMed ID: 34599366). This variant is reported in 0.0019% of alleles in individuals of European (Non-Finnish) descent in gnomAD. This variant is interpreted as likely pathogenic.

Dasa
Classification: Uncertain significance. Last evaluated: 2026-04-09. Review status: criteria provided, single submitter. Criteria: DASA Assertion Criteria. Collection method: clinical testing. Allele origin: germline.
Comment: NM_000260.4(MYO7A):c.1369G>A (p.Ala457Thr) is a missense variant that results in the substitution of alanine with threonine. This variant has been recurrently observed in individuals with MYO7A-related disorders (PMID: 38594301; PMID: 34599366). Also, this variant is rare in population databases. The currently available literature and clinical evidence are not sufficient to establish a definitive association between this variant and the reported condition. Therefore, this variant is classified as a variant of uncertain significance.

Natera, Inc.
Classification: Likely pathogenic for Usher syndrome type 1B. Last evaluated: 2025-04-15. Review status: criteria provided, single submitter. Criteria: Natera Variant Classification Schema (03/2026). Collection method: clinical testing. Allele origin: germline.
Comment: The c.1369G>A variant in MYO7A is a missense variant predicted to cause substitution of alanine to threonine at amino acid 457. This variant is rare in the general population with a frequency below the threshold expected for the associated phenotype(s). This variant has been observed in one or more individuals affected with the associated recessive disease, as either homozygous or compound heterozygous with a second variant (PMID: 38594301). A different variant at the same position has been determined to be Pathogenic or Likely Pathogenic. Given the available evidence, this variant is classified as Likely Pathogenic.

GeneDx
Classification: Uncertain significance. Last evaluated: 2023-10-02. Review status: criteria provided, single submitter. Criteria: GeneDx Variant Classification Process June 2021. Collection method: clinical testing. Allele origin: germline. Affected: yes.
Comment: In silico analysis supports that this missense variant has a deleterious effect on protein structure/function; Not observed at significant frequency in large population cohorts (gnomAD); This variant is associated with the following publications: (PMID: 34824372)

Human Genetics Bochum, Ruhr University Bochum
Classification: Uncertain significance for Autosomal dominant nonsyndromic hearing loss 11. Last evaluated: 2023-05-05. Review status: criteria provided, single submitter. Criteria: ACMG Guidelines, 2015. Collection method: clinical testing. Allele origin: germline. Affected: yes.
Comment: ACMG criteria used to clasify this variant: PM1, PP3_MOD

Literature cited by the submitters: PubMed 38594301 (cited by Dasa and Natera, Inc.); PubMed 34599366 (cited by Dasa).

NM_000260.4(MYO7A):c.1369G>A (p.Ala457Thr)

Gene: MYO7A (myosin VIIA; plus strand). Cytogenetic location: 11q13.5.
Variant type: single nucleotide variant.
Coding change: c.1369G>A on transcript NM_000260.4 (MANE Select); coding-DNA position 1369, G replaced by A.
Protein change: p.Ala457Thr; replaces alanine 457 with threonine.
Molecular consequence: missense variant.
Genome position (GRCh38, 1-based): chr11:77,162,145, G>A. VCF-style: chr11-77162145-G-A. GRCh37 (hg19) VCF-style: chr11-76873191-G-A.
Other names: c.1369G>A, p.Ala457Thr (NM_001127180.2); c.1336G>A, p.Ala446Thr (NM_001369365.1); short protein forms A446T, A457T.
Identifiers: ClinVar variation 1312575 (VCV001312575.9), dbSNP rs782255256, ClinGen allele CA6197485.